The following is an entry in ClinVar:

ClinVar aggregate classification (germline): Likely benign (0 of 4 stars; one submission).

Conditions:
SMURF2-related disorder. Also called: SMURF2-related condition.

Allele frequency attached by ClinVar (database versions not stated): gnomAD exomes 0.00007; ESP Exome Variant Server 0.00015; ExAC 0.00016; gnomAD 0.00042; TOPMed 0.00047; 1000 Genomes Project 30x 0.00094; 1000 Genomes Project 0.00120.
gnomAD v4.1: 182 of 1,610,336 alleles (0.011%); highest among the groups gnomAD compares: African/African-American, 0.19%; 1 homozygote.

Submission:

PreventionGenetics, part of Exact Sciences
Classification: Likely benign for SMURF2-related condition. Last evaluated: 2019-09-10. Review status: no assertion criteria provided. Collection method: clinical testing. Allele origin: germline.
Comment: This variant is classified as likely benign based on ACMG/AMP sequence variant interpretation guidelines (Richards et al. 2015 PMID: 25741868, with internal and published modifications).

NM_022739.4(SMURF2):c.1398A>G (p.Thr466=)

Gene: SMURF2 (SMAD specific E3 ubiquitin protein ligase 2; minus strand). Cytogenetic location: 17q23.3.
Variant type: single nucleotide variant.
Coding change: c.1398A>G on transcript NM_022739.4 (MANE Select); coding-DNA position 1398, A replaced by G.
Protein change: p.Thr466=; no amino-acid change (threonine 466 retained).
Molecular consequence: synonymous variant.
Genome position (GRCh38, 1-based): chr17:64,557,641, T>C on the plus strand (A>G on the coding strand, the complement: SMURF2 is on the minus strand). VCF-style: chr17-64557641-T-C. GRCh37 (hg19) VCF-style: chr17-62553759-T-C.
Identifiers: ClinVar variation 3040421 (VCV003040421.2), dbSNP rs147790846, ClinGen allele CA8714891.